The following is an entry in ClinVar:

NM_000141.5(FGFR2):c.181C>T (p.Arg61Cys)

Gene: FGFR2 (fibroblast growth factor receptor 2; minus strand). Cytogenetic location: 10q26.13.
Variant type: single nucleotide variant.
Coding change: c.181C>T on transcript NM_000141.5 (MANE Select); coding-DNA position 181, C replaced by T.
Protein change: p.Arg61Cys; replaces arginine 61 with cysteine.
Molecular consequence: missense variant. On other transcripts: intron variant (9).
Genome position (GRCh38, 1-based): chr10:121,565,633, G>A on the plus strand (C>T on the coding strand, the complement: FGFR2 is on the minus strand). VCF-style: chr10-121565633-G-A. GRCh37 (hg19) VCF-style: chr10-123325147-G-A.
Other names: c.181C>T, p.Arg61Cys (NM_001144913.1, NM_001144914.1, NM_001144917.2 and 3 more transcripts); c.110-14174C>T (NM_001144918.2, NM_001441091.1, NM_001441090.1 and 1 more transcripts); c.110-1054C>T (NM_001441089.1, NM_023029.3, NM_001441088.1 and 2 more transcripts); short protein forms R61C.
Identifiers: ClinVar variation 2501045 (VCV002501045.2), dbSNP rs1354205157, ClinGen allele CA378325433.

ClinVar aggregate classification (germline): Uncertain significance. Review status: criteria provided, multiple submitters, no conflicts (2 of 4 stars). 2 submissions from 2 submitters: Uncertain significance (2). Last evaluated 2026-01-11.

Conditions:
FGFR2-related craniosynostosis. Identifiers: MedGen CN231480.

Allele frequency attached by ClinVar (database versions not stated): gnomAD 0.00001.
gnomAD v4.1: 13 of 1,614,066 alleles (0.00081%); highest among the groups gnomAD compares: Non-Finnish European, 0.0011%; no homozygotes.

Submissions (2):

Labcorp Genetics (formerly Invitae), Labcorp
Classification: Uncertain significance for FGFR2-related craniosynostosis. Last evaluated: 2026-01-11. Review status: criteria provided, single submitter. Criteria: Invitae Variant Classification Sherloc (09022015). Collection method: clinical testing. Allele origin: germline.
Comment: This sequence change replaces arginine, which is basic and polar, with cysteine, which is neutral and slightly polar, at codon 61 of the FGFR2 protein (p.Arg61Cys). This variant is present in population databases (no rsID available, gnomAD 0.007%). This variant has not been reported in the literature in individuals affected with FGFR2-related conditions. ClinVar contains an entry for this variant (Variation ID: 2501045). Invitae Evidence Modeling of protein sequence and biophysical properties (such as structural, functional, and spatial information, amino acid conservation, physicochemical variation, residue mobility, and thermodynamic stability) has been performed for this missense variant. However, the output from this modeling did not meet the statistical confidence thresholds required to predict the impact of this variant on FGFR2 protein function. In summary, the available evidence is currently insufficient to determine the role of this variant in disease. Therefore, it has been classified as a Variant of Uncertain Significance.

Women's Health and Genetics/Laboratory Corporation of America, LabCorp
Classification: Uncertain significance. Last evaluated: 2023-03-29. Review status: criteria provided, single submitter. Criteria: LabCorp Variant Classification Summary - May 2015. Collection method: clinical testing. Allele origin: germline.
Comment: Variant summary: FGFR2 c.181C>T (p.Arg61Cys) results in a non-conservative amino acid change located in the Immunoglobulin-like domain (IPR007110) of the encoded protein sequence. Three of five in-silico tools predict a benign effect of the variant on protein function. The variant allele was found at a frequency of 4e-06 in 251472 control chromosomes. The available data on variant occurrences in the general population are insufficient to allow any conclusion about variant significance. To our knowledge, no occurrence of c.181C>T in individuals affected with FGFR2-Related Disorders and no experimental evidence demonstrating its impact on protein function have been reported. No clinical diagnostic laboratories have submitted clinical-significance assessments for this variant to ClinVar after 2014. Based on the evidence outlined above, the variant was classified as uncertain significance.